The following is an entry in ClinVar:

ClinVar aggregate classification (germline): Uncertain significance. Review status: criteria provided, multiple submitters, no conflicts (2 of 4 stars). 8 submissions from 5 submitters: Uncertain significance (8). Last evaluated 2025-10-02.

Conditions:
Atypical hemolytic-uremic syndrome. Identifiers: Orphanet 2134, MedGen C2931788, MONDO:0016244.
Age related macular degeneration 4. Identifiers: MedGen C1853147, MONDO:0012540, OMIM 610698.
Hemolytic uremic syndrome, atypical, susceptibility to, 1. Also called: AHUS, SUSCEPTIBILITY TO, 1. Identifiers: Orphanet 2134, Orphanet 90038, MedGen C2749604, MONDO:0009335, OMIM 235400. Disease mechanism: Other.
Factor H deficiency (CFHD). Also called: COMPLEMENT FACTOR H DEFICIENCY; CFH DEFICIENCY. Identifiers: Orphanet 200421, MedGen C0398777, MONDO:0012350, OMIM 609814.
Basal laminar drusen. Also called: DRUSEN OF BRUCH MEMBRANE; DRUSEN, CUTICULAR; DRUSEN, EARLY ADULT-ONSET, GROUPED. Identifiers: Orphanet 75376, MedGen C0730295, MONDO:0007472, OMIM 126700.

Allele frequency attached by ClinVar (database versions not stated): gnomAD exomes below 0.00001 and 0.00003; ExAC 0.00004; ESP Exome Variant Server 0.00008; TOPMed 0.00021; gnomAD 0.00024 and 0.00026.
gnomAD v4.1: 38 of 1,614,060 alleles (0.0024%); highest among the groups gnomAD compares: African/African-American, 0.051%; no homozygotes.

Submissions (8):

Genomenon, Inc
Classification: Uncertain significance for Atypical hemolytic-uremic syndrome. Last evaluated: 2025-10-02. Review status: criteria provided, single submitter. Criteria: Genomenon Sequence Variant Interpretation Standards - Updated. Collection method: curation. Allele origin: germline. Affected: yes.
Comment: CFH p.Ala1027Pro (c.3079G>C) is a missense variant that changes the amino acid at residue 1027 from Alanine to Proline. This variant has been observed in at least one proband affected with atypical hemolytic-uremic syndrome (PMID:29563339). Functional studies have been reported (PMID:34189567). In silico models agree that this variant is not damaging. In conclusion, we classify CFH p.Ala1027Pro (c.3079G>C) as a variant of uncertain significance.

Labcorp Genetics (formerly Invitae), Labcorp
Classification: Uncertain significance. Last evaluated: 2025-09-05. Review status: criteria provided, single submitter. Criteria: Invitae Variant Classification Sherloc (09022015). Collection method: clinical testing. Allele origin: germline.
Comment: This sequence change replaces alanine, which is neutral and non-polar, with proline, which is neutral and non-polar, at codon 1027 of the CFH protein (p.Ala1027Pro). This variant is present in population databases (rs373385518, gnomAD 0.07%). This variant has not been reported in the literature in individuals affected with CFH-related conditions. ClinVar contains an entry for this variant (Variation ID: 1057798). An algorithm developed to predict the effect of missense changes on protein structure and function outputs the following: PolyPhen-2: "Benign". The proline amino acid residue is found in multiple mammalian species, which suggests that this missense change does not adversely affect protein function. In summary, the available evidence is currently insufficient to determine the role of this variant in disease. Therefore, it has been classified as a Variant of Uncertain Significance.

Mayo Clinic Laboratories, Mayo Clinic
Classification: Uncertain significance. Last evaluated: 2025-05-11. Review status: criteria provided, single submitter. Criteria: ACMG Guidelines, 2015. Collection method: clinical testing. Allele origin: germline. Observed: 2 variant alleles.
Comment: BP4_moderate

Genome-Nilou Lab
Classification: Uncertain significance for Hemolytic uremic syndrome, atypical, susceptibility to, 1. Last evaluated: 2023-04-11. Review status: criteria provided, single submitter. Criteria: ACMG Guidelines, 2015. Collection method: clinical testing. Allele origin: germline. Affected: no.

Genome-Nilou Lab
Classification: Uncertain significance for Age related macular degeneration 4. Last evaluated: 2023-04-11. Review status: criteria provided, single submitter. Criteria: ACMG Guidelines, 2015. Collection method: clinical testing. Allele origin: germline. Affected: no.

Genome-Nilou Lab
Classification: Uncertain significance for Basal laminar drusen. Last evaluated: 2023-04-11. Review status: criteria provided, single submitter. Criteria: ACMG Guidelines, 2015. Collection method: clinical testing. Allele origin: germline. Affected: no.

Genome-Nilou Lab
Classification: Uncertain significance for Factor H deficiency. Last evaluated: 2023-04-11. Review status: criteria provided, single submitter. Criteria: ACMG Guidelines, 2015. Collection method: clinical testing. Allele origin: germline. Affected: no.

Fulgent Genetics
Classification: Uncertain significance for Basal laminar drusen; Hemolytic uremic syndrome, atypical, susceptibility to, 1; Factor H deficiency; Age related macular degeneration 4. Last evaluated: 2022-03-16. Review status: criteria provided, single submitter. Criteria: ACMG Guidelines, 2015. Collection method: clinical testing. Allele origin: unknown.

Literature cited by the submitters: PubMed 29563339 (cited by Genomenon, Inc); PubMed 34189567 (cited by Genomenon, Inc).

NM_000186.4(CFH):c.3079G>C (p.Ala1027Pro)

Gene: CFH (complement factor H; plus strand). Cytogenetic location: 1q31.3.
Variant type: single nucleotide variant.
Coding change: c.3079G>C on transcript NM_000186.4 (MANE Select); coding-DNA position 3079, G replaced by C.
Protein change: p.Ala1027Pro; replaces alanine 1027 with proline.
Molecular consequence: missense variant.
Genome position (GRCh38, 1-based): chr1:196,741,997, G>C. VCF-style: chr1-196741997-G-C. GRCh37 (hg19) VCF-style: chr1-196711127-G-C.
Other names: p.Ala1027Pro; short protein forms A1027P.
Identifiers: ClinVar variation 1057798 (VCV001057798.11), dbSNP rs373385518, ClinGen allele CA1305819.